The following is an entry in ClinVar:

ClinVar aggregate classification (germline): Likely benign. Review status: criteria provided, single submitter (1 of 4 stars). 2 submissions from 2 submitters: Likely benign (1). 1 of the submissions does not count toward it. Last evaluated 2023-03-23.

Conditions:
Hereditary cancer-predisposing syndrome. Also called: Tumor predisposition; Hereditary neoplastic syndrome; Hereditary Cancer Syndrome; Neoplastic Syndromes, Hereditary. Identifiers: Orphanet 140162, MedGen C0027672, MeSH D009386, MONDO:0015356.
Malignant tumor of breast. Also called: Cancer breast; Malignant breast neoplasm. Identifiers: MedGen C0006142, MONDO:0007254. Disease mechanism: loss of function.

Submissions (2):

University of Washington Department of Laboratory Medicine, University of Washington
Classification: Likely benign for Hereditary cancer-predisposing syndrome. Last evaluated: 2023-03-23. Review status: criteria provided, single submitter. Criteria: Dines et al. (Genet Med. 2020). Collection method: curation. Allele origin: germline.
Comment: Missense variant in a coldspot region where missense variants are very unlikely to be pathogenic (PMID:31911673).

BRCA2 exon 11 coldspot. Reclassification based on statistical prior probability.

Faculty of Pharmacy, Ain Shams University
Classification: Uncertain significance for breast cancer. Last evaluated: 2021-03-30. Review status: no assertion criteria provided. Collection method: clinical testing. Allele origin: unknown. Affected: yes. Observed: 5 variant alleles. Not counted in ClinVar's aggregate classification.

Literature cited by the submitters: DOI 10.1016/j.cca.2020.11.023 (cited by Faculty of Pharmacy, Ain Shams University).

NM_000059.4(BRCA2):c.3292A>T (p.Asn1098Tyr)

Gene: BRCA2 (BRCA2 DNA repair associated; plus strand). Cytogenetic location: 13q13.1.
Variant type: single nucleotide variant.
Coding change: c.3292A>T on transcript NM_000059.4 (MANE Select); coding-DNA position 3292, A replaced by T.
Protein change: p.Asn1098Tyr; replaces asparagine 1098 with tyrosine.
Molecular consequence: missense variant.
Genome position (GRCh38, 1-based): chr13:32,337,647, A>T. VCF-style: chr13-32337647-A-T. GRCh37 (hg19) VCF-style: chr13-32911784-A-T.
Other names: short protein forms N1098Y.
Identifiers: ClinVar variation 1174597 (VCV001174597.5), dbSNP rs2137495145, ClinGen allele CA387776135.